The following is an entry in ClinVar:

NC_000019.9:g.(?_41847768)_(41850789_?)dup

Gene: TGFB1 (transforming growth factor beta 1; minus strand). Cytogenetic location: 19q13.2.
Variant type: Duplication.
Identifiers: ClinVar variation 1373267 (VCV001373267.5).

ClinVar aggregate classification (germline): Uncertain significance (1 of 4 stars; one submission).

Submission:

Labcorp Genetics (formerly Invitae), Labcorp
Classification: Uncertain significance. Last evaluated: 2022-06-27. Review status: criteria provided, single submitter. Criteria: Invitae Variant Classification Sherloc (09022015). Collection method: clinical testing. Allele origin: germline.
Comment: In summary, the available evidence is currently insufficient to determine the role of this variant in disease. Therefore, it has been classified as a Variant of Uncertain Significance. Experimental studies and prediction algorithms are not available or were not evaluated, and the functional significance of this variant is currently unknown. This variant has not been reported in the literature in individuals affected with TGFB1-related conditions. This variant results in a copy number gain of the genomic region encompassing exon(s) 3-5 of the TGFB1 gene. While the exact position of this variant cannot be determined from the data, sub-genic copy number gains are generally in tandem (PMID: 25640679). This variant is predicted to be out-of-frame, and may result in an absent or disrupted protein product. However, the current clinical and genetic evidence is not sufficient to establish whether loss-of-function variants in TGFB1 cause disease.

Literature cited by the submitters: PubMed 25640679.